The following is an entry in ClinVar:

NM_001199397.3(NEK1):c.1639A>G (p.Asn547Asp)

Gene: NEK1 (NIMA related kinase 1; minus strand). Cytogenetic location: 4q33.
Variant type: single nucleotide variant.
Coding change: c.1639A>G on transcript NM_001199397.3 (MANE Select); coding-DNA position 1639, A replaced by G.
Protein change: p.Asn547Asp; replaces asparagine 547 with aspartic acid.
Molecular consequence: missense variant. On other transcripts: non-coding transcript variant (1).
Genome position (GRCh38, 1-based): chr4:169,537,835, T>C on the plus strand (A>G on the coding strand, the complement: NEK1 is on the minus strand). VCF-style: chr4-169537835-T-C. GRCh37 (hg19) VCF-style: chr4-170458986-T-C.
Other names: c.1507A>G, p.Asn503Asp (NM_001199398.3, NM_001199400.3); c.1432A>G, p.Asn478Asp (NM_001199399.3); c.1639A>G, p.Asn547Asp (NM_001374418.1, NM_001374419.1, NM_012224.4); c.1588A>G, p.Asn530Asp (NM_001374420.1); c.1513A>G, p.Asn505Asp (NM_001374421.1); short protein forms N547D, N478D, N505D, N503D, N530D.
Identifiers: ClinVar variation 2766949 (VCV002766949.3), dbSNP rs2546676583, ClinGen allele CA358732418.

ClinVar aggregate classification (germline): Uncertain significance (1 of 4 stars; one submission).

Conditions:
Short-rib thoracic dysplasia 6 with or without polydactyly (SRTD6). Also called: SHORT RIB-POLYDACTYLY SYNDROME, TYPE IIA; Majewski Syndrome; POLYDACTYLY WITH NEONATAL CHONDRODYSTROPHY, TYPE II; SHORT-RIB THORACIC DYSPLASIA 6 WITH POLYDACTYLY; SHORT-RIB THORACIC DYSPLASIA 6 WITHOUT POLYDACTYLY. Identifiers: MedGen C0024507, MONDO:0009894, OMIM 263520.

Allele frequency attached by ClinVar (database versions not stated): gnomAD exomes below 0.00001.
gnomAD v4.1: 2 of 1,612,980 alleles (0.00012%); highest among the groups gnomAD compares: Non-Finnish European, 0.00017%; no homozygotes.

Submission:

Labcorp Genetics (formerly Invitae), Labcorp
Classification: Uncertain significance for Short-rib thoracic dysplasia 6 with or without polydactyly. Last evaluated: 2024-01-10. Review status: criteria provided, single submitter. Criteria: Invitae Variant Classification Sherloc (09022015). Collection method: clinical testing. Allele origin: germline.
Comment: This sequence change replaces asparagine, which is neutral and polar, with aspartic acid, which is acidic and polar, at codon 547 of the NEK1 protein (p.Asn547Asp). This variant is not present in population databases (gnomAD no frequency). This variant has not been reported in the literature in individuals affected with NEK1-related conditions. Advanced modeling of protein sequence and biophysical properties (such as structural, functional, and spatial information, amino acid conservation, physicochemical variation, residue mobility, and thermodynamic stability) performed at Invitae indicates that this missense variant is expected to disrupt NEK1 protein function with a positive predictive value of 80%. In summary, the available evidence is currently insufficient to determine the role of this variant in disease. Therefore, it has been classified as a Variant of Uncertain Significance.